The following is an entry in ClinVar:

ClinVar aggregate classification (germline): Likely benign. Review status: criteria provided, multiple submitters, no conflicts (2 of 4 stars). 2 submissions from 2 submitters: Likely benign (2). Last evaluated 2025-04-10.

Allele frequency attached by ClinVar (database versions not stated): gnomAD exomes below 0.00001; TOPMed below 0.00001; gnomAD 0.00001.
gnomAD v4.1: 7 of 1,614,056 alleles (0.00043%); highest among the groups gnomAD compares: Middle Eastern, 0.016%; no homozygotes.

Submissions (2):

Labcorp Genetics (formerly Invitae), Labcorp
Classification: Likely benign. Last evaluated: 2025-04-10. Review status: criteria provided, single submitter. Criteria: Invitae Variant Classification Sherloc (09022015). Collection method: clinical testing. Allele origin: germline.

CeGaT Center for Human Genetics Tuebingen
Classification: Likely benign. Last evaluated: 2025-01-01. Review status: criteria provided, single submitter. Criteria: CeGaT Center For Human Genetics Tuebingen Variant Classification Criteria Version 2. Collection method: clinical testing. Allele origin: germline. Affected: yes. Observed: 1 variant allele.
Comment: DMXL2: BP4, BP7

NM_001378457.1(DMXL2):c.4245T>C (p.Asp1415=)

Gene: DMXL2 (Dmx like 2; minus strand). Cytogenetic location: 15q21.2.
Variant type: single nucleotide variant.
Coding change: c.4245T>C on transcript NM_001378457.1 (MANE Select); coding-DNA position 4245, T replaced by C.
Protein change: p.Asp1415=; no amino-acid change (aspartic acid 1415 retained).
Molecular consequence: synonymous variant. On other transcripts: non-coding transcript variant (2), intron variant (2).
Genome position (GRCh38, 1-based): chr15:51,498,979, A>G on the plus strand (T>C on the coding strand, the complement: DMXL2 is on the minus strand). VCF-style: chr15-51498979-A-G. GRCh37 (hg19) VCF-style: chr15-51791176-A-G.
Other names: c.4245T>C, p.Asp1415= (NM_001174116.3, NM_001378458.1, NM_001378459.1 and 4 more transcripts); c.4005T>C, p.Asp1335= (NM_001378464.1); c.2765-7232T>C (NM_001378460.1); c.2765-3845T>C (NM_001174117.3).
Identifiers: ClinVar variation 1944605 (VCV001944605.18), dbSNP rs1434402975, ClinGen allele CA490597313.
Genomic context (GRCh38, chr15:51,498,979, plus strand): 5'-AAGTAATGCATATAGTGGTAGTGGAGGGATAGAATCTATCTCAGTATAATCTCGAGTACC[A>G]TCTTTTCCTACGGTGACTGTTTCCTTTGCTGTACTGCCACTTACACTAATAGTTCGAGAG-3'
Protein context (NP_001365386.1, residues 1405-1425): TAKETVTVGK[Asp1415=]GTRDYTEIDS